The following is an entry in ClinVar:

NM_001160372.4(TRAPPC9):c.1521A>G (p.Leu507=)

Gene: TRAPPC9 (trafficking protein particle complex subunit 9; minus strand). Cytogenetic location: 8q24.3.
Variant type: single nucleotide variant.
Coding change: c.1521A>G on transcript NM_001160372.4 (MANE Select); coding-DNA position 1521, A replaced by G.
Protein change: p.Leu507=; no amino-acid change (leucine 507 retained).
Molecular consequence: synonymous variant. On other transcripts: non-coding transcript variant (1).
Genome position (GRCh38, 1-based): chr8:140,311,349, T>C on the plus strand (A>G on the coding strand, the complement: TRAPPC9 is on the minus strand). VCF-style: chr8-140311349-T-C. GRCh37 (hg19) VCF-style: chr8-141321448-T-C.
Other names: c.1494A>G, p.Leu498= (NM_001321646.2); c.1542A>G, p.Leu514= (NM_001374682.1); c.1521A>G, p.Leu507= (NM_001374683.1, NM_031466.8); c.1377A>G, p.Leu459= (NM_001374684.1); c.1815A>G (NM_031466.7).
Identifiers: ClinVar variation 1949334 (VCV001949334.7), dbSNP rs2066293590, ClinGen allele CA463097916.

ClinVar aggregate classification (germline): Likely benign. Review status: criteria provided, single submitter (1 of 4 stars). 2 submissions from 2 submitters: Likely benign (1). 1 of the submissions does not count toward it. Last evaluated 2022-06-14.

Conditions:
TRAPPC9-related disorder. Also called: TRAPPC9-related condition.

Allele frequency attached by ClinVar (database versions not stated): gnomAD exomes 0.00001.
gnomAD v4.1: 13 of 1,614,038 alleles (0.00081%); highest among the groups gnomAD compares: Non-Finnish European, 0.0011%; no homozygotes.

Submissions (2):

Labcorp Genetics (formerly Invitae), Labcorp
Classification: Likely benign. Last evaluated: 2022-06-14. Review status: criteria provided, single submitter. Criteria: Invitae Variant Classification Sherloc (09022015). Collection method: clinical testing. Allele origin: germline.

PreventionGenetics, part of Exact Sciences
Classification: Likely benign for TRAPPC9-related condition. Last evaluated: 2020-12-02. Review status: no assertion criteria provided. Collection method: clinical testing. Allele origin: germline. Not counted in ClinVar's aggregate classification.
Comment: This variant is classified as likely benign based on ACMG/AMP sequence variant interpretation guidelines (Richards et al. 2015 PMID: 25741868, with internal and published modifications).